The following is an entry in ClinVar:

ClinVar aggregate classification (germline): Uncertain significance (1 of 4 stars; one submission).

Conditions:
Cobalamin C disease. Also called: methylmalonic aciduria and homocystinuria type cblC; Methylmalonic aciduria with homocystinuria cblC type; Methylmalonic aciduria and homocystinuria, Vitamin B12-responsive; Vitamin B12 metabolic defect with combined deficiency of methylmalonyl-CoA mutase and homocysteine:methyltetrahydrofolate methyltransferase; Cobalamin-C methylmalonic acidemia and homocystinuria; Methylmalonic acidemia and homocystinuria cblC type. Identifiers: Orphanet 26, Orphanet 79282, MedGen C1848561, MONDO:0010184, OMIM 277400.

Submission:

Labcorp Genetics (formerly Invitae), Labcorp
Classification: Uncertain significance for Cobalamin C disease. Last evaluated: 2021-09-01. Review status: criteria provided, single submitter. Criteria: Invitae Variant Classification Sherloc (09022015). Collection method: clinical testing. Allele origin: germline.
Comment: This variant, c.354_365del, results in the deletion of 4 amino acid(s) of the MMACHC protein (p.Gln118_Ala121del), but otherwise preserves the integrity of the reading frame. This variant is not present in population databases (ExAC no frequency). This variant has been observed in individual(s) with clinical features of cobalamin C deficiency (Invitae). In at least one individual the data is consistent with the variant being in trans (on the opposite chromosome) from a pathogenic variant. Experimental studies and prediction algorithms are not available or were not evaluated, and the functional significance of this variant is currently unknown. In summary, the available evidence is currently insufficient to determine the role of this variant in disease. Therefore, it has been classified as a Variant of Uncertain Significance.

NM_015506.3(MMACHC):c.354_365del (p.Gln118_Ala121del)

Gene: MMACHC (metabolism of cobalamin associated C; plus strand). Cytogenetic location: 1p34.1.
Variant type: Deletion.
Coding change: c.354_365del on transcript NM_015506.3 (MANE Select); coding-DNA positions 354 to 365, 12 bases deleted (GACAGCAGCCCA).
Protein change: p.Gln118_Ala121del.
Molecular consequence: inframe deletion.
Genome position (GRCh38, 1-based): chr1:45,508,289-45,508,300, GACAGCAGCCCA deleted; deleting any 12 consecutive bases within chr1:45,508,284-45,508,300 gives the same sequence; the c. name uses the placement nearest the transcript's 3' end. VCF-style (leftmost placement, unchanged base first): chr1-45508283-GGCCCAGACAGCA-G. GRCh37 (hg19) VCF-style: chr1-45973955-GGCCCAGACAGCA-G.
Other names: c.183_194del, p.Gln61_Ala64del (NM_001330540.2).
Identifiers: ClinVar variation 834511 (VCV000834511.6), dbSNP rs1643666069, ClinGen allele CA916082027.
Genomic context (GRCh38, chr1:45,508,283, plus strand): 5'-GCTGCAGATAGAAATCATTGCTGACTACGAGGTGCACCCCAACCGACGCCCCAAGATCCT[GGCCCAGACAGCA>G]GCCCATGTAGCTGGGGCTGCTTACTACTACCAACGACAAGATGTGGAGGCTGACCCATGG-3'